The following is an entry in ClinVar:

ClinVar aggregate classification (germline): Conflicting classifications of pathogenicity. Review status: criteria provided, conflicting classifications (1 of 4 stars). 9 submissions from 9 submitters: Uncertain significance (2); Benign (1); Likely benign (5). 1 of the submissions does not count toward it. Last evaluated 2026-03-27.

Conditions:
ZNF469-related disorder. Also called: ZNF469-related condition.
Ehlers-Danlos syndrome (EDS). Identifiers: Orphanet 98249, MedGen C0013720, MONDO:0020066.
Brittle cornea syndrome 1 (BCS1). Also called: DYSGENESIS MESODERMALIS CORNEAE ET SCLERAE; Corneal fragility keratoglobus, blue sclerae AND joint hypermobility; CORNEAL FRAGILITY, KERATOGLOBUS, BLUE SCLERAE, JOINT HYPEREXTENSIBILITY; EDS6B; FRAGILITAS OCULI WITH JOINT HYPEREXTENSIBILITY. Identifiers: Orphanet 90354, MedGen C0268344, MONDO:0024543, OMIM 229200.
Cardiovascular phenotype. Identifiers: MedGen CN230736.

Allele frequency attached by ClinVar (database versions not stated): gnomAD exomes 0.00016 and 0.00036; gnomAD 0.00019; TOPMed 0.00022; ExAC 0.00107.
gnomAD v4.1: 271 of 1,550,218 alleles (0.017%); highest among the groups gnomAD compares: Non-Finnish European, 0.0078%; 1 homozygote.

Submissions (9):

Women's Health and Genetics/Laboratory Corporation of America, LabCorp
Classification: Likely benign. Last evaluated: 2026-03-27. Review status: criteria provided, single submitter. Criteria: LabCorp Variant Classification Summary - May 2015. Collection method: clinical testing. Allele origin: germline.
Comment: Variant summary: ZNF469 c.5914G>A (p.Gly1972Arg) results in a non-conservative amino acid change in the encoded protein sequence. Algorithms developed to predict the effect of missense changes on protein structure and function are either unavailable or do not agree on the potential impact of this missense change. The variant allele was found at a frequency of 0.00017 in 1550218 control chromosomes, predominantly at a frequency of 0.0053 within the Ashkenazi Jewish subpopulation in the gnomAD v4 database, including one homozygote. The observed variant frequency within Ashkenazi Jewish control individuals in the gnomAD database exceeds the estimated maximal expected allele frequency for disease-causing variants in ZNF469. To our knowledge, no occurrence of c.5914G>A in individuals affected with ZNF469-related conditions and no experimental evidence demonstrating its impact on protein function have been reported. ClinVar contains an entry for this variant (Variation ID: 373813). Based on the evidence outlined above, the variant was classified as likely benign.

Labcorp Genetics (formerly Invitae), Labcorp
Classification: Likely benign. Last evaluated: 2026-01-20. Review status: criteria provided, single submitter. Criteria: Invitae Variant Classification Sherloc (09022015). Collection method: clinical testing. Allele origin: germline.

Mayo Clinic Laboratories, Mayo Clinic
Classification: Benign. Last evaluated: 2024-12-16. Review status: criteria provided, single submitter. Criteria: ACMG Guidelines, 2015. Collection method: clinical testing. Allele origin: germline. Observed: 3 variant alleles.
Comment: BS1, BP4_strong

CeGaT Center for Human Genetics Tuebingen
Classification: Likely benign. Last evaluated: 2023-10-01. Review status: criteria provided, single submitter. Criteria: CeGaT Center For Human Genetics Tuebingen Variant Classification Criteria Version 2. Collection method: clinical testing. Allele origin: germline. Affected: yes. Observed: 1 variant allele.
Comment: ZNF469: BP4

Genome Diagnostics Laboratory, The Hospital for Sick Children
Classification: Likely benign for Ehlers-Danlos syndrome. Last evaluated: 2020-12-23. Review status: criteria provided, single submitter. Criteria: ACMG Guidelines, 2015. Collection method: clinical testing. Allele origin: germline.

Ambry Genetics
Classification: Likely benign for Cardiovascular phenotype. Last evaluated: 2020-03-26. Review status: criteria provided, single submitter. Criteria: Ambry Variant Classification Scheme 2023. Collection method: clinical testing. Allele origin: germline.

Fulgent Genetics
Classification: Uncertain significance for Brittle cornea syndrome 1. Last evaluated: 2018-10-31. Review status: criteria provided, single submitter. Criteria: ACMG Guidelines, 2015. Collection method: clinical testing. Allele origin: unknown.

GeneDx
Classification: Uncertain significance. Last evaluated: 2016-12-15. Review status: criteria provided, single submitter. Criteria: GeneDx Variant Classification (06012015). Collection method: clinical testing. Allele origin: germline. Affected: yes.
Comment: A variant of uncertain significance has been identified in the ZNF469 gene. The G1944R variant has not been published as a pathogenic variant, nor has it been reported as a benign variant to our knowledge. This variant was not observed in approximately 2,300 individuals of European and African American ancestry in the NHLBI Exome Sequencing Project, but was observed in 17/7004 (0.24%) alleles from individuals of Non-Finnish European ancestry in the Exome Aggregation Consortium. The G1944R variant is a non-conservative amino acid substitution, which is likely to impact secondary protein structure as these residues differ in polarity, charge, size and/or other properties. However, this substitution occurs at a position that is not conserved across species and in silico analysis predicts this variant likely does not alter the protein structure/function.Therefore, based on the currently available information, it is unclear whether this variant is pathogenic or rare benign.

PreventionGenetics, part of Exact Sciences
Classification: Likely benign for ZNF469-related condition. Last evaluated: 2019-11-18. Review status: no assertion criteria provided. Collection method: clinical testing. Allele origin: germline. Not counted in ClinVar's aggregate classification.
Comment: This variant is classified as likely benign based on ACMG/AMP sequence variant interpretation guidelines (Richards et al. 2015 PMID: 25741868, with internal and published modifications).

NM_001367624.2(ZNF469):c.5914G>A (p.Gly1972Arg)

Gene: ZNF469 (zinc finger protein 469; plus strand). Cytogenetic location: 16q24.2.
Variant type: single nucleotide variant.
Coding change: c.5914G>A on transcript NM_001367624.2 (MANE Select); coding-DNA position 5914, G replaced by A.
Protein change: p.Gly1972Arg; replaces glycine 1972 with arginine.
Molecular consequence: missense variant.
Genome position (GRCh38, 1-based): chr16:88,433,384, G>A. VCF-style: chr16-88433384-G-A. GRCh37 (hg19) VCF-style: chr16-88499792-G-A.
Other names: NM_001127464.1:c.5830G>A; NM_001127464.2:c.5830G>A; p.Gly1972Arg; short protein forms G1972R.
Identifiers: ClinVar variation 373813 (VCV000373813.42), dbSNP rs766410344, ClinGen allele CA8225115.